The following is an entry in ClinVar:

ClinVar aggregate classification (germline): Likely pathogenic (1 of 4 stars; one submission).

Conditions:
Oculocerebrodental syndrome (OCSKD). Also called: OCULOSKELETODENTAL SYNDROME; CATARACTS, EARLY-ONSET, WITH SKELETAL AND DENTAL ANOMALIES. Identifiers: Orphanet 557003, MedGen C5193101, MONDO:0034145, OMIM 618440.

gnomAD v4.1: 1 of 1,606,322 alleles (0.000062%); no homozygotes.

Submission:

Rady Children's Institute for Genomic Medicine, Rady Children's Hospital San Diego
Classification: Likely pathogenic for OCULOSKELETODENTAL SYNDROME. Last evaluated: 2024-05-17. Review status: criteria provided, single submitter. Criteria: ACMG Guidelines, 2015. Collection method: clinical testing. Allele origin: germline. Affected: yes.
Comment: This variant affects the canonical splice donor site of intron 27 and is therefore predicted to interfere with splicing and result in loss of normal protein function through either protein truncation or nonsense-mediated mRNA decay. Loss-of-function variation in PIK3C2A is an established mechanism of disease (PMID: 31034465). This variant has not been previously reported or functionally characterized in the literature to our knowledge. The c.4451+1G>T variant is present in the heterozygous state in the gnomAD v4 population database at a frequency of 0.00006% (1/1606322), and is absent in the homozygous state, thus is presumed to be rare. Based on the available evidence, c.4451+1G>T is classified as Likely Pathogenic.

NM_002645.4(PIK3C2A):c.4451+1G>T

Gene: PIK3C2A (phosphatidylinositol-4-phosphate 3-kinase catalytic subunit type 2 alpha; minus strand). Cytogenetic location: 11p15.1.
Variant type: single nucleotide variant.
Coding change: c.4451+1G>T on transcript NM_002645.4 (MANE Select); the canonical splice donor site of the intron after coding-DNA position 4451, G replaced by T.
Molecular consequence: splice donor variant.
Genome position (GRCh38, 1-based): chr11:17,094,260, C>A on the plus strand (G>T on the coding strand, the complement: PIK3C2A is on the minus strand). VCF-style: chr11-17094260-C-A. GRCh37 (hg19) VCF-style: chr11-17115807-C-A.
Other names: c.3311+1G>T (NM_001321380.2); c.4283+1G>T (NM_001386870.1); c.4451+1G>T (NM_001321378.2).
Identifiers: ClinVar variation 3773827 (VCV003773827.1).
Genomic context (GRCh38, chr11:17,094,260, plus strand): 5'-CTACATTTGATAACAAGTTGTTTCCTACAAAAAGGATTAATGTACAAGGATGAATACATA[C>A]CCTGGTAACTTCCAAAGTGGAAAAATAATACTGAGCTTATTGTGAAGTTCCTGAAATTCG-3'